The following is an entry in ClinVar:

ClinVar aggregate classification (germline): Uncertain significance. Review status: criteria provided, multiple submitters, no conflicts (2 of 4 stars). 2 submissions from 2 submitters: Uncertain significance (2). Last evaluated 2023-09-15.

Conditions:
Cardiovascular phenotype. Identifiers: MedGen CN230736.
Hereditary cancer-predisposing syndrome. Also called: Hereditary neoplastic syndrome; Tumor predisposition; Neoplastic Syndromes, Hereditary; Hereditary Cancer Syndrome. Identifiers: Orphanet 140162, MedGen C0027672, MeSH D009386, MONDO:0015356.
Neurofibromatosis, type 1 (NF1). Also called: Neurofibromatosis, type I; VON RECKLINGHAUSEN DISEASE; NEUROFIBROMATOSIS, TYPE I, SOMATIC; Peripheral type neurofibromatosis. Identifiers: Orphanet 636, MedGen C0027831, MONDO:0018975, OMIM 162200. Disease mechanism: loss of function.

Submissions (2):

Labcorp Genetics (formerly Invitae), Labcorp
Classification: Uncertain significance for Neurofibromatosis, type 1. Last evaluated: 2023-09-15. Review status: criteria provided, single submitter. Criteria: Invitae Variant Classification Sherloc (09022015). Collection method: clinical testing. Allele origin: germline.
Comment: In summary, the available evidence is currently insufficient to determine the role of this variant in disease. Therefore, it has been classified as a Variant of Uncertain Significance. Advanced modeling of protein sequence and biophysical properties (such as structural, functional, and spatial information, amino acid conservation, physicochemical variation, residue mobility, and thermodynamic stability) performed at Invitae indicates that this missense variant is expected to disrupt NF1 protein function. ClinVar contains an entry for this variant (Variation ID: 1472154). This variant has not been reported in the literature in individuals affected with NF1-related conditions. This variant is not present in population databases (gnomAD no frequency). This sequence change replaces alanine, which is neutral and non-polar, with threonine, which is neutral and polar, at codon 1740 of the NF1 protein (p.Ala1740Thr).

Ambry Genetics
Classification: Uncertain significance for Cardiovascular phenotype; Hereditary cancer-predisposing syndrome. Last evaluated: 2021-09-07. Review status: criteria provided, single submitter. Criteria: Ambry Variant Classification Scheme 2023. Collection method: clinical testing. Allele origin: germline.
Comment: The p.A1740T variant (also known as c.5218G>A), located in coding exon 37 of the NF1 gene, results from a G to A substitution at nucleotide position 5218. The alanine at codon 1740 is replaced by threonine, an amino acid with similar properties. This amino acid position is highly conserved in available vertebrate species. In addition, this alteration is predicted to be deleterious by in silico analysis. Since supporting evidence is limited at this time, the clinical significance of this alteration remains unclear.

NM_001042492.3(NF1):c.5281G>A (p.Ala1761Thr)

Gene: NF1 (neurofibromin 1; plus strand). Cytogenetic location: 17q11.2.
Variant type: single nucleotide variant.
Coding change: c.5281G>A on transcript NM_001042492.3 (MANE Select); coding-DNA position 5281, G replaced by A.
Protein change: p.Ala1761Thr; replaces alanine 1761 with threonine.
Molecular consequence: missense variant.
Genome position (GRCh38, 1-based): chr17:31,327,511, G>A. VCF-style: chr17-31327511-G-A. GRCh37 (hg19) VCF-style: chr17-29654529-G-A.
Other names: c.5218G>A, p.Ala1740Thr (NM_000267.4); short protein forms A1740T, A1761T.
Identifiers: ClinVar variation 1472154 (VCV001472154.8), dbSNP rs2069375243, ClinGen allele CA399008917.